The following is an entry in ClinVar:

NM_000135.4(FANCA):c.3934+4A>G

Genes: FANCA (FA complementation group A; minus strand), ZNF276 (zinc finger protein 276; plus strand). Cytogenetic location: 16q24.3.
Variant type: single nucleotide variant.
Coding change: c.3934+4A>G on transcript NM_000135.4 (MANE Select); 4 bases into the intron after coding-DNA position 3934, A replaced by G.
Molecular consequence: intron variant. On other transcripts: 3 prime UTR variant (2), non-coding transcript variant (4).
Genome position (GRCh38, 1-based): chr16:89,739,990, T>C on the plus strand (A>G on the coding strand, the complement: FANCA is on the minus strand). VCF-style: chr16-89739990-T-C. GRCh37 (hg19) VCF-style: chr16-89806398-T-C.
Other names: c.*1744T>C (NM_001113525.2, NM_152287.4); c.3934+4A>G (NM_001286167.3).
Identifiers: ClinVar variation 1014263 (VCV001014263.9), dbSNP rs2062087707, ClinGen allele CA2241890194.

ClinVar aggregate classification (germline): Uncertain significance. Review status: criteria provided, single submitter (1 of 4 stars). 2 submissions from 2 submitters: Uncertain significance (1). 1 of the submissions does not count toward it. Last evaluated 2020-02-12.

Conditions:
Fanconi anemia (FA). Also called: Fanconi's anemia. Identifiers: Orphanet 84, MedGen C0015625, MeSH D005199, MONDO:0019391.

Submissions (2):

Labcorp Genetics (formerly Invitae), Labcorp
Classification: Uncertain significance for Fanconi anemia. Last evaluated: 2020-02-12. Review status: criteria provided, single submitter. Criteria: Invitae Variant Classification Sherloc (09022015). Collection method: clinical testing. Allele origin: germline.
Comment: This variant is not present in population databases (ExAC no frequency). In summary, the available evidence is currently insufficient to determine the role of this variant in disease. Therefore, it has been classified as a Variant of Uncertain Significance. Nucleotide substitutions within the consensus splice site are a relatively common cause of aberrant splicing (PMID: 17576681, 9536098). Algorithms developed to predict the effect of sequence changes on RNA splicing suggest that this variant may disrupt the consensus splice site, but this prediction has not been confirmed by published transcriptional studies. This variant has not been reported in the literature in individuals with FANCA-related conditions. This sequence change falls in intron 39 of the FANCA gene. It does not directly change the encoded amino acid sequence of the FANCA protein, but it affects a nucleotide within the consensus splice site of the intron.

Natera, Inc.
Classification: Uncertain significance for Fanconi anemia. Last evaluated: 2021-03-18. Review status: no assertion criteria provided. Collection method: clinical testing. Allele origin: germline. Not counted in ClinVar's aggregate classification.

Literature cited by the submitters: PubMed 17576681 (cited by Labcorp Genetics (formerly Invitae), Labcorp); PubMed 9536098 (cited by Labcorp Genetics (formerly Invitae), Labcorp).